The following is an entry in ClinVar:

NM_001103.4(ACTN2):c.1465C>T (p.Gln489Ter)

Gene: ACTN2 (actinin alpha 2; plus strand). Cytogenetic location: 1q43.
Variant type: single nucleotide variant.
Coding change: c.1465C>T on transcript NM_001103.4 (MANE Select); coding-DNA position 1465, C replaced by T.
Protein change: p.Gln489Ter; replaces glutamine 489 with a stop codon.
Molecular consequence: nonsense.
Genome position (GRCh38, 1-based): chr1:236,747,725, C>T. VCF-style: chr1-236747725-C-T. GRCh37 (hg19) VCF-style: chr1-236911025-C-T.
Other names: c.1465C>T, p.Gln489Ter (NM_001278343.2); c.841C>T, p.Gln281Ter (NM_001278344.2); c.1465C>T (NM_001103.2); short protein forms Q281*, Q489*.
Identifiers: ClinVar variation 1040757 (VCV001040757.8), dbSNP rs1659279726, ClinGen allele CA345384013.

ClinVar aggregate classification (germline): Uncertain significance. Review status: criteria provided, multiple submitters, no conflicts (2 of 4 stars). 2 submissions from 2 submitters: Uncertain significance (2). Last evaluated 2025-11-26.

Conditions:
Cardiovascular phenotype. Identifiers: MedGen CN230736.
Primary familial hypertrophic cardiomyopathy (HCM). Identifiers: Orphanet 99739, MedGen C0949658, MeSH D024741, MONDO:0024573. Inheritance: Various modes of inheritance.
Dilated cardiomyopathy 1AA (CMD1AA). Also called: CARDIOMYOPATHY, FAMILIAL HYPERTROPHIC, 23, WITH OR WITHOUT LEFT VENTRICULAR NONCOMPACTION; CARDIOMYOPATHY, DILATED, 1AA, WITH OR WITHOUT LEFT VENTRICULAR NONCOMPACTION; Cardiomyopathy, dilated, 1AA, with or without LVNC. Identifiers: Orphanet 154, MedGen C2677338, MONDO:0012808, OMIM 612158.

Submissions (2):

Ambry Genetics
Classification: Uncertain significance for Cardiovascular phenotype. Last evaluated: 2025-11-26. Review status: criteria provided, single submitter. Criteria: Ambry Variant Classification Scheme 2023. Collection method: clinical testing. Allele origin: germline.
Comment: The p.Q489* variant (also known as c.1465C>T), located in coding exon 13 of the ACTN2 gene, results from a C to T substitution at nucleotide position 1465. This changes the amino acid from a glutamine to a stop codon within coding exon 13. This alteration is expected to result in protein truncation or nonsense-mediated mRNA decay. However, loss of function has not been established as a mechanism of disease. Based on the available evidence, the clinical significance of this alteration remains unclear.

Labcorp Genetics (formerly Invitae), Labcorp
Classification: Uncertain significance for Primary familial hypertrophic cardiomyopathy; Dilated cardiomyopathy 1AA. Last evaluated: 2020-07-15. Review status: criteria provided, single submitter. Criteria: Invitae Variant Classification Sherloc (09022015). Collection method: clinical testing. Allele origin: germline.
Comment: In summary, the available evidence is currently insufficient to determine the role of this variant in disease. Therefore, it has been classified as a Variant of Uncertain Significance. The current clinical and genetic evidence is not sufficient to establish whether loss-of-function variants in ACTN2 cause disease. This variant has not been reported in the literature in individuals with ACTN2-related conditions. This variant is not present in population databases (ExAC no frequency). This sequence change creates a premature translational stop signal (p.Gln489*) in the ACTN2 gene. It is expected to result in an absent or disrupted protein product.